The following is an entry in ClinVar:

ClinVar aggregate classification (germline): Uncertain significance (1 of 4 stars; one submission).

Submission:

Women's Health and Genetics/Laboratory Corporation of America, LabCorp
Classification: Uncertain significance. Last evaluated: 2025-03-14. Review status: criteria provided, single submitter. Criteria: LabCorp Variant Classification Summary - May 2015. Collection method: clinical testing. Allele origin: germline.
Comment: Variant summary: The variant involves the deletion of exons 1-3 in the NAT8L gene. This deletion includes the entire coding sequence of the gene. As the exact proximal and distal breakpoints are unknown, it may extend beyond the annotated region of the gene to include other flanking genes. A presumed nomenclature of c.(?_-186)_(*4963_?)del has been designated for the purposes of this classification. Current evidence is not sufficient to establish loss of function as a mechanism for disease. The variant was absent in 21694 control chromosomes. The available data on variant occurrences in the general population are insufficient to allow any conclusion about variant significance. To our knowledge, no occurrence of c.(?_-186)_(*4963_?)del in individuals affected with N-Acetylaspartate Deficiency and no experimental evidence demonstrating its impact on protein function have been reported. No submitters have cited clinical-significance assessments for this variant to ClinVar. Based on the evidence outlined above, the variant was classified as uncertain significance.

NC_000004.11:g.(?_2061053)_(2070817_?)del

Gene: NAT8L (N-acetyltransferase 8 like; plus strand). Cytogenetic location: 4p16.3.
Variant type: Deletion.
Identifiers: ClinVar variation 3895653 (VCV003895653.1).